The following is an entry in ClinVar:

ClinVar aggregate classification (germline): Benign. Review status: criteria provided, multiple submitters, no conflicts (2 of 4 stars). 3 submissions from 3 submitters: Benign (3). Last evaluated 2026-01-06.

Conditions:
TGM6-related disorder. Also called: TGM6-related condition.
Spinocerebellar ataxia type 35. Identifiers: Orphanet 276193, MedGen C3888031, MONDO:0013485, OMIM 613908.

Allele frequency attached by ClinVar (database versions not stated): ESP Exome Variant Server 0.00008; gnomAD exomes 0.00009 and 0.00055; gnomAD 0.00024 and 0.00036; TOPMed 0.00030; ExAC 0.00045; 1000 Genomes Project 0.00240; 1000 Genomes Project 30x 0.00250.
gnomAD v4.1: 225 of 1,614,134 alleles (0.014%); highest among the groups gnomAD compares: East Asian, 0.33%; 1 homozygote.

Submissions (3):

Labcorp Genetics (formerly Invitae), Labcorp
Classification: Benign. Last evaluated: 2026-01-06. Review status: criteria provided, single submitter. Criteria: Invitae Variant Classification Sherloc (09022015). Collection method: clinical testing. Allele origin: germline.

PreventionGenetics, part of Exact Sciences
Classification: Benign for TGM6-related condition. Last evaluated: 2025-10-20. Review status: criteria provided, single submitter. Criteria: ACMG Guidelines, 2015. Collection method: clinical testing. Allele origin: germline.
Comment: This variant is classified as benign based on ACMG/AMP sequence variant interpretation guidelines (Richards et al. 2015 PMID: 25741868, with internal and published modifications).

Illumina Laboratory Services, Illumina
Classification: Benign for Spinocerebellar ataxia type 35. Last evaluated: 2018-01-12. Review status: criteria provided, single submitter. Criteria: ICSL Variant Classification Criteria 13 December 2019. Collection method: clinical testing. Allele origin: germline.
Comment: This variant was observed in the ICSL laboratory as part of a predisposition screen in an ostensibly healthy population. It had not been previously curated by ICSL or reported in the Human Gene Mutation Database (HGMD: prior to June 1st, 2018), and was therefore a candidate for classification through an automated scoring system. Utilizing variant allele frequency, disease prevalence and penetrance estimates, and inheritance mode, an automated score was calculated to assess if this variant is too frequent to cause the disease. Based on the score and internal cut-off values, a variant classified as benign is not then subjected to further curation. The score for this variant resulted in a classification of benign for this disease.

NM_198994.3(TGM6):c.1040C>T (p.Pro347Leu)

Gene: TGM6 (transglutaminase 6; plus strand). Cytogenetic location: 20p13.
Variant type: single nucleotide variant.
Coding change: c.1040C>T on transcript NM_198994.3 (MANE Select); coding-DNA position 1040, C replaced by T.
Protein change: p.Pro347Leu; replaces proline 347 with leucine.
Molecular consequence: missense variant.
Genome position (GRCh38, 1-based): chr20:2,403,447, C>T. VCF-style: chr20-2403447-C-T. GRCh37 (hg19) VCF-style: chr20-2384093-C-T.
Other names: c.1040C>T, p.Pro347Leu (NM_001254734.2); short protein forms P347L.
Identifiers: ClinVar variation 337919 (VCV000337919.13), dbSNP rs183670042, ClinGen allele CA9731948.